The following is an entry in ClinVar:

NM_015338.6(ASXL1):c.3649A>G (p.Thr1217Ala)

Gene: ASXL1 (ASXL transcriptional regulator 1; plus strand). Cytogenetic location: 20q11.21.
Variant type: single nucleotide variant.
Coding change: c.3649A>G on transcript NM_015338.6 (MANE Select); coding-DNA position 3649, A replaced by G.
Protein change: p.Thr1217Ala; replaces threonine 1217 with alanine.
Molecular consequence: missense variant.
Genome position (GRCh38, 1-based): chr20:32,436,361, A>G. VCF-style: chr20-32436361-A-G. GRCh37 (hg19) VCF-style: chr20-31024164-A-G.
Other names: c.3466A>G, p.Thr1156Ala (NM_001363734.1); short protein forms T1217A, T1156A.
Identifiers: ClinVar variation 3792544 (VCV003792544.1).

ClinVar aggregate classification (germline): Uncertain significance (1 of 4 stars; one submission).

Conditions:
Inborn genetic diseases. Identifiers: MedGen C0950123, MeSH D030342.

gnomAD v4.1: 3 of 1,613,804 alleles (0.00019%); highest among the groups gnomAD compares: African/African-American, 0.0013%; no homozygotes.

Submission:

Ambry Genetics
Classification: Uncertain significance for Inborn genetic diseases. Last evaluated: 2025-01-20. Review status: criteria provided, single submitter. Criteria: Ambry Variant Classification Scheme 2023. Collection method: clinical testing. Allele origin: germline.
Comment: The p.T1217A variant (also known as c.3649A>G), located in coding exon 13 of the ASXL1 gene, results from an A to G substitution at nucleotide position 3649. The threonine at codon 1217 is replaced by alanine, an amino acid with similar properties. This amino acid position is conserved. In addition, this alteration is predicted to be tolerated by in silico analysis. Based on the available evidence, the clinical significance of this variant remains unclear.